The following is an entry in ClinVar:

ClinVar aggregate classification (germline): Uncertain significance (1 of 4 stars; one submission).

Allele frequency attached by ClinVar (database versions not stated): ExAC 0.00002; ESP Exome Variant Server 0.00008; 1000 Genomes Project 30x 0.00016; 1000 Genomes Project 0.00020; TOPMed 0.00024.
gnomAD v4.1: 35 of 1,613,720 alleles (0.0022%); highest among the groups gnomAD compares: Admixed American, 0.048%; no homozygotes.

Submission:

Labcorp Genetics (formerly Invitae), Labcorp
Classification: Uncertain significance. Last evaluated: 2026-01-28. Review status: criteria provided, single submitter. Criteria: Invitae Variant Classification Sherloc (09022015). Collection method: clinical testing. Allele origin: germline.
Comment: This sequence change replaces glycine, which is neutral and non-polar, with arginine, which is basic and polar, at codon 365 of the LOXL3 protein (p.Gly365Arg). This variant is present in population databases (rs143457594, gnomAD 0.009%). This missense change has been observed in individual(s) with Stickler syndrome (internal data). ClinVar contains an entry for this variant (Variation ID: 1395280). An algorithm developed to predict the effect of missense changes on protein structure and function (PolyPhen-2) suggests that this variant is likely to be disruptive. Algorithms developed to predict the effect of sequence changes on RNA splicing suggest that this variant may disrupt the consensus splice site. In summary, the available evidence is currently insufficient to determine the role of this variant in disease. Therefore, it has been classified as a Variant of Uncertain Significance.

NM_032603.5(LOXL3):c.1093G>C (p.Gly365Arg)

Gene: LOXL3 (lysyl oxidase like 3; minus strand). Cytogenetic location: 2p13.1.
Variant type: single nucleotide variant.
Coding change: c.1093G>C on transcript NM_032603.5 (MANE Select); coding-DNA position 1093, G replaced by C.
Protein change: p.Gly365Arg; replaces glycine 365 with arginine.
Molecular consequence: missense variant.
Genome position (GRCh38, 1-based): chr2:74,536,291, C>G on the plus strand (G>C on the coding strand, the complement: LOXL3 is on the minus strand). VCF-style: chr2-74536291-C-G. GRCh37 (hg19) VCF-style: chr2-74763418-C-G.
Other names: c.658G>C, p.Gly220Arg (NM_001289164.3); c.10G>C, p.Gly4Arg (NM_001289165.2); short protein forms G220R, G4R, G365R.
Identifiers: ClinVar variation 1395280 (VCV001395280.6), dbSNP rs143457594, ClinGen allele CA1728988.
Genomic context (GRCh38, chr2:74,536,291, plus strand): 5'-ATATGCCCCCCAGGAGCATGTACCTCCTTCCCTCTCCCTCCCACCTCCATGCCACCTCAC[C>G]CTGCCCCATGCGAGCGCCACTCAGAGCTTCTCGAGCACTCCCGAAGCCCAGCTCCCGACA-3'
Protein context (NP_115992.1, residues 355-375): EALSGARMGQ[Gly365Arg]MGAIHLSEVR